The following is an entry in ClinVar:

ClinVar aggregate classification (germline): Likely pathogenic (1 of 4 stars; one submission).

Conditions:
Peroxisome biogenesis disorder 4A (Zellweger) (PBD4A). Also called: Zellweger syndrome spectrum (PEX6-related). Identifiers: Orphanet 912, MedGen C3553936, MONDO:0013930, OMIM 614862. Disease mechanism: loss of function.

Submission:

Myriad Genetics, Inc.
Classification: Likely pathogenic for Peroxisome biogenesis disorder 4A (Zellweger). Last evaluated: 2022-03-01. Review status: criteria provided, single submitter. Criteria: Myriad Women's Health Autosomal Recessive and X-Linked Classification Criteria (2021). Collection method: clinical testing. Allele origin: unknown.
Comment: NM_000287.3(PEX6):c.1963_1965delTTGinsCT(A656Qfs*4) is expected to be pathogenic in the context of peroxisome biogenesis disorder type 4. This variant is predicted to lead to an abnormal or absent protein product due to the creation of a premature termination codon in PEX6, a gene where loss-of-function variants are known to be pathogenic. Please note: this variant was assessed in the context of healthy population screening.

NM_000287.4(PEX6):c.1963_1965delinsCT (p.Ala656fs)

Gene: PEX6 (peroxisomal biogenesis factor 6; minus strand). Cytogenetic location: 6p21.1.
Variant type: Indel.
Coding change: c.1963_1965delinsCT on transcript NM_000287.4 (MANE Select); coding-DNA positions 1963 to 1965, TTG replaced by CT.
Protein change: p.Ala656fs; shifts the reading frame from alanine 656.
Molecular consequence: frameshift variant. On other transcripts: non-coding transcript variant (1).
Genome position (GRCh38, 1-based): chr6:42,966,654-42,966,656, CAA replaced by AG on the plus strand (TTG replaced by CT on the coding strand, the reverse complement: PEX6 is on the minus strand). VCF-style: chr6-42966654-CAA-AG. GRCh37 (hg19) VCF-style: chr6-42934392-CAA-AG.
Other names: c.1699_1701delinsCT, p.Ala568fs (NM_001316313.2); short protein forms A568fs, A656fs.
Identifiers: ClinVar variation 1724845 (VCV001724845.2), dbSNP rs2481210846, ClinGen allele CA2580074635.